The following is an entry in ClinVar:

ClinVar aggregate classification (germline): Uncertain significance. Review status: criteria provided, multiple submitters, no conflicts (2 of 4 stars). 2 submissions from 2 submitters: Uncertain significance (2). Last evaluated 2025-08-08.

Conditions:
Perlman syndrome (PRLMNS). Identifiers: Orphanet 2849, MedGen C0796113, MONDO:0009965, OMIM 267000.
Inborn genetic diseases. Identifiers: MedGen C0950123, MeSH D030342.

Allele frequency attached by ClinVar (database versions not stated): ExAC 0.00001; gnomAD 0.00001; TOPMed 0.00001.
gnomAD v4.1: 7 of 1,614,102 alleles (0.00043%); highest among the groups gnomAD compares: Admixed American, 0.0017%; no homozygotes.

Submissions (2):

Ambry Genetics
Classification: Uncertain significance for Inborn genetic diseases. Last evaluated: 2025-08-08. Review status: criteria provided, single submitter. Criteria: Ambry Variant Classification Scheme 2023. Collection method: clinical testing. Allele origin: germline.

Labcorp Genetics (formerly Invitae), Labcorp
Classification: Uncertain significance for Perlman syndrome. Last evaluated: 2023-11-05. Review status: criteria provided, single submitter. Criteria: Invitae Variant Classification Sherloc (09022015). Collection method: clinical testing. Allele origin: germline.
Comment: This sequence change replaces isoleucine, which is neutral and non-polar, with methionine, which is neutral and non-polar, at codon 467 of the DIS3L2 protein (p.Ile467Met). The frequency data for this variant in the population databases is considered unreliable, as metrics indicate poor data quality at this position in the gnomAD database. This variant has not been reported in the literature in individuals affected with DIS3L2-related conditions. ClinVar contains an entry for this variant (Variation ID: 410774). Advanced modeling of protein sequence and biophysical properties (such as structural, functional, and spatial information, amino acid conservation, physicochemical variation, residue mobility, and thermodynamic stability) performed at Invitae indicates that this missense variant is not expected to disrupt DIS3L2 protein function with a negative predictive value of 80%. In summary, the available evidence is currently insufficient to determine the role of this variant in disease. Therefore, it has been classified as a Variant of Uncertain Significance.

NM_152383.5(DIS3L2):c.1401C>G (p.Ile467Met)

Gene: DIS3L2 (DIS3 like 3'-5' exoribonuclease 2; plus strand). Cytogenetic location: 2q37.1.
Variant type: single nucleotide variant.
Coding change: c.1401C>G on transcript NM_152383.5 (MANE Select); coding-DNA position 1401, C replaced by G.
Protein change: p.Ile467Met; replaces isoleucine 467 with methionine.
Molecular consequence: missense variant. On other transcripts: non-coding transcript variant (2).
Genome position (GRCh38, 1-based): chr2:232,249,322, C>G. VCF-style: chr2-232249322-C-G. GRCh37 (hg19) VCF-style: chr2-233114032-C-G.
Other names: c.1401C>G, p.Ile467Met (NM_001257281.2); short protein forms I467M.
Identifiers: ClinVar variation 410774 (VCV000410774.10), dbSNP rs767658588, ClinGen allele CA2164134.
Genomic context (GRCh38, chr2:232,249,322, plus strand): 5'-GCTGTGTGAGGAGCTGTGCAGCCTCAACCCCATGTCCGACAAGCTGACCTTCTCTGTGAT[C>G]TGGACACTGACTCCAGAGGGCAAGGTAACAACTTACACGTTTTCTTTCTCCACTTACCTC-3'
Protein context (NP_689596.4, residues 457-477): PMSDKLTFSV[Ile467Met]WTLTPEGKIL